The following is an entry in ClinVar:

ClinVar aggregate classification (germline): Uncertain significance (1 of 4 stars; one submission).

Conditions:
Aicardi-Goutieres syndrome 7 (AGS7). Identifiers: Orphanet 51, MedGen C3888244, MONDO:0014367, OMIM 615846.
Singleton-Merten syndrome 1 (SGMRT1). Also called: Widened medullary cavities of bone, aortic calcification, abnormal dentition, and muscular weakness; Syndrome of widened medullary cavities of the metacarpals and phalanges, aortic calcification and abnormal dentition. Identifiers: Orphanet 85191, MedGen C4225427, MONDO:0024535, OMIM 182250.

Submission:

Labcorp Genetics (formerly Invitae), Labcorp
Classification: Uncertain significance for Aicardi-Goutieres syndrome 7; Singleton-Merten syndrome 1. Last evaluated: 2024-05-12. Review status: criteria provided, single submitter. Criteria: Invitae Variant Classification Sherloc (09022015). Collection method: clinical testing. Allele origin: germline.
Comment: This sequence change replaces glutamine, which is neutral and polar, with histidine, which is basic and polar, at codon 527 of the IFIH1 protein (p.Gln527His). This variant is present in population databases (no rsID available, gnomAD 0.0009%). This variant has not been reported in the literature in individuals affected with IFIH1-related conditions. Advanced modeling of protein sequence and biophysical properties (such as structural, functional, and spatial information, amino acid conservation, physicochemical variation, residue mobility, and thermodynamic stability) has been performed at Invitae for this missense variant, however the output from this modeling did not meet the statistical confidence thresholds required to predict the impact of this variant on IFIH1 protein function. In summary, the available evidence is currently insufficient to determine the role of this variant in disease. Therefore, it has been classified as a Variant of Uncertain Significance.

NM_022168.4(IFIH1):c.1581A>T (p.Gln527His)

Gene: IFIH1 (interferon induced with helicase C domain 1; minus strand). Cytogenetic location: 2q24.2.
Variant type: single nucleotide variant.
Coding change: c.1581A>T on transcript NM_022168.4 (MANE Select); coding-DNA position 1581, A replaced by T.
Protein change: p.Gln527His; replaces glutamine 527 with histidine.
Molecular consequence: missense variant.
Genome position (GRCh38, 1-based): chr2:162,280,056, T>A on the plus strand (A>T on the coding strand, the complement: IFIH1 is on the minus strand). VCF-style: chr2-162280056-T-A. GRCh37 (hg19) VCF-style: chr2-163136566-T-A.
Other names: short protein forms Q527H.
Identifiers: ClinVar variation 3751197 (VCV003751197.2).